The following is an entry in ClinVar:

NM_138691.3(TMC1):c.1960A>G (p.Met654Val)

Gene: TMC1 (transmembrane channel like 1; plus strand). Cytogenetic location: 9q21.13.
Variant type: single nucleotide variant.
Coding change: c.1960A>G on transcript NM_138691.3 (MANE Select); coding-DNA position 1960, A replaced by G.
Protein change: p.Met654Val; replaces methionine 654 with valine.
Molecular consequence: missense variant.
Genome position (GRCh38, 1-based): chr9:72,821,038, A>G. VCF-style: chr9-72821038-A-G. GRCh37 (hg19) VCF-style: chr9-75435954-A-G.
Other names: c.1960A>G (NM_138691.2); short protein forms M654V.
Identifiers: ClinVar variation 4104 (VCV000004104.3), dbSNP rs121908074, ClinGen allele CA253004.

ClinVar aggregate classification (germline): Conflicting classifications of pathogenicity. Review status: criteria provided, conflicting classifications (1 of 4 stars). 3 submissions from 3 submitters: Pathogenic (1); Uncertain significance (1). 1 of the submissions does not count toward it. Last evaluated 2025-06-09.

Conditions:
Nonsyndromic genetic hearing loss. Also called: Nonsyndromic hearing loss and deafness; Non-syndromic genetic deafness; Nonsyndromic genetic deafness. Identifiers: Orphanet 87884, MedGen C5680182, MONDO:0019497.
Autosomal recessive nonsyndromic hearing loss 7. Also called: DEAFNESS, AUTOSOMAL RECESSIVE 11. Identifiers: Orphanet 90636, MedGen C1832978, MONDO:0010967, OMIM 600974.

Allele frequency attached by ClinVar (database versions not stated): TOPMed 0.00001; gnomAD 0.00002.
gnomAD v4.1: 3 of 1,614,048 alleles (0.00019%); highest among the groups gnomAD compares: African/African-American, 0.0027%; no homozygotes.

Submissions (3):

Women's Health and Genetics/Laboratory Corporation of America, LabCorp
Classification: Pathogenic for Nonsyndromic genetic hearing loss. Last evaluated: 2025-06-09. Review status: criteria provided, single submitter. Criteria: LabCorp Variant Classification Summary - May 2015. Collection method: clinical testing. Allele origin: germline.
Comment: Variant summary: TMC1 c.1960A>G (p.Met654Val) results in a conservative amino acid change in the encoded protein sequence. Algorithms developed to predict the effect of missense changes on protein structure and function are either unavailable or do not agree on the potential impact of this missense change. The variant was absent in 251464 control chromosomes. c.1960A>G has been observed in multiple homozygous individuals in a family affected with Nonsyndromic Hearing Loss And Deafness, Type 7 with perfect segregation with disease (Kurima_2002). These data indicate that the variant is very likely to be associated with disease. To our knowledge, no experimental evidence demonstrating an impact on protein function has been reported. The following publication have been ascertained in the context of this evaluation (PMID: 11850618). ClinVar contains an entry for this variant (Variation ID: 4104). Based on the evidence outlined above, the variant was classified as pathogenic.

GeneDx
Classification: Uncertain significance. Last evaluated: 2023-12-04. Review status: criteria provided, single submitter. Criteria: GeneDx Variant Classification Process June 2021. Collection method: clinical testing. Allele origin: germline. Affected: yes.
Comment: Not observed at significant frequency in large population cohorts (gnomAD); In silico analysis supports a deleterious effect on splicing; This variant is associated with the following publications: (PMID: 18616530, 26226225, 34795337, 16134132, 24933710, BhowmikA2021(Review], 28862181, 31176026, 23690975, 11850618, 33205915, 19187973, 8634715)

OMIM
Classification: Pathogenic for DEAFNESS, AUTOSOMAL RECESSIVE 7. Last evaluated: 2002-03-01. Review status: no assertion criteria provided. Collection method: literature only. Allele origin: germline. Not counted in ClinVar's aggregate classification.

Literature cited by the submitters: PubMed 11850618 (cited by Women's Health and Genetics/Laboratory Corporation of America, LabCorp and OMIM).